The following is an entry in ClinVar:

NM_000321.3(RB1):c.2212-3C>A

Gene: RB1 (RB transcriptional corepressor 1; plus strand). Cytogenetic location: 13q14.2.
Variant type: single nucleotide variant.
Coding change: c.2212-3C>A on transcript NM_000321.3 (MANE Select); 3 bases into the intron before coding-DNA position 2212, C replaced by A.
Molecular consequence: intron variant.
Genome position (GRCh38, 1-based): chr13:48,464,995, C>A. VCF-style: chr13-48464995-C-A. GRCh37 (hg19) VCF-style: chr13-49039131-C-A.
Other names: c.2212-3C>A (NM_001407165.1).
Identifiers: ClinVar variation 3052305 (VCV003052305.2), dbSNP rs2138344493, ClinGen allele CA2559078780.

ClinVar aggregate classification (germline): Likely benign (0 of 4 stars; one submission).

Conditions:
RB1-related disorder. Also called: RB1-related condition.

Submission:

PreventionGenetics, part of Exact Sciences
Classification: Likely benign for RB1-related condition. Last evaluated: 2022-11-23. Review status: no assertion criteria provided. Collection method: clinical testing. Allele origin: germline.
Comment: This variant is classified as likely benign based on ACMG/AMP sequence variant interpretation guidelines (Richards et al. 2015 PMID: 25741868, with internal and published modifications).